The following is an entry in ClinVar:

ClinVar aggregate classification (germline): Uncertain significance (1 of 4 stars; one submission).

Conditions:
Gastrointestinal stromal tumor. Also called: Gastrointestinal stroma tumor; Gastrointestinal stromal tumor, somatic. Identifiers: Orphanet 44890, MedGen C0238198, MeSH D046152, MONDO:0011719, OMIM 606764, HP:0100723.

Submission:

Labcorp Genetics (formerly Invitae), Labcorp
Classification: Uncertain significance for Gastrointestinal stromal tumor. Last evaluated: 2021-11-12. Review status: criteria provided, single submitter. Criteria: Invitae Variant Classification Sherloc (09022015). Collection method: clinical testing. Allele origin: germline.
Comment: In summary, the available evidence is currently insufficient to determine the role of this variant in disease. Therefore, it has been classified as a Variant of Uncertain Significance. Algorithms developed to predict the effect of missense changes on protein structure and function (SIFT, PolyPhen-2, Align-GVGD) all suggest that this variant is likely to be tolerated. This variant has not been reported in the literature in individuals affected with PDGFRA-related conditions. This variant is not present in population databases (gnomAD no frequency). This sequence change replaces threonine, which is neutral and polar, with proline, which is neutral and non-polar, at codon 211 of the PDGFRA protein (p.Thr211Pro).

NM_006206.6(PDGFRA):c.631A>C (p.Thr211Pro)

Gene: PDGFRA (platelet derived growth factor receptor alpha; plus strand). Cytogenetic location: 4q12.
Variant type: single nucleotide variant.
Coding change: c.631A>C on transcript NM_006206.6 (MANE Select); coding-DNA position 631, A replaced by C.
Protein change: p.Thr211Pro; replaces threonine 211 with proline.
Molecular consequence: missense variant.
Genome position (GRCh38, 1-based): chr4:54,264,921, A>C. VCF-style: chr4-54264921-A-C. GRCh37 (hg19) VCF-style: chr4-55131088-A-C.
Other names: c.631A>C, p.Thr211Pro (NM_001347827.2, NM_001347829.2); c.706A>C, p.Thr236Pro (NM_001347828.2); c.670A>C, p.Thr224Pro (NM_001347830.2); short protein forms T224P, T236P, T211P.
Identifiers: ClinVar variation 1392809 (VCV001392809.6), dbSNP rs1170188252, ClinGen allele CA356890651.